The following is an entry in ClinVar:

NM_153710.5(STKLD1):c.1839C>T (p.Asn613=)

Gene: STKLD1 (serine/threonine kinase like domain containing 1; plus strand). Cytogenetic location: 9q34.2.
Variant type: single nucleotide variant.
Coding change: c.1839C>T on transcript NM_153710.5 (MANE Select); coding-DNA position 1839, C replaced by T.
Protein change: p.Asn613=; no amino-acid change (asparagine 613 retained).
Molecular consequence: synonymous variant. On other transcripts: non-coding transcript variant (1).
Genome position (GRCh38, 1-based): chr9:133,404,895, C>T. VCF-style: chr9-133404895-C-T. GRCh37 (hg19) VCF-style: chr9-136270019-C-T.
Identifiers: ClinVar variation 4872254 (VCV004872254.2).
Genomic context (GRCh38, chr9:133,404,895, plus strand): 5'-CCTCAGCCTCATCAAGGAGACCTACCAGCTCCACAGGGACGACCCGGAGGTGGTGGAGAA[C>T]GTGGGCATGCTGCTGGTCCACCTGGCTTCCTATGGTGAGAACCCCTTCTCACCTCACACT-3'
Protein context (NP_714921.4, residues 603-623): LHRDDPEVVE[Asn613=]VGMLLVHLAS

ClinVar aggregate classification (germline): Likely benign (1 of 4 stars; one submission).

Submission:

CeGaT Center for Human Genetics Tuebingen
Classification: Likely benign. Last evaluated: 2026-04-01. Review status: criteria provided, single submitter. Criteria: CeGaT Center For Human Genetics Tuebingen Variant Classification Criteria Version 2. Collection method: clinical testing. Allele origin: germline. Affected: yes. Observed: 1 variant allele.
Comment: STKLD1: BP4, BP7